The following is an entry in ClinVar:

NM_006218.4(PIK3CA):c.2361C>A (p.Asp787Glu)

Gene: PIK3CA (phosphatidylinositol-4,5-bisphosphate 3-kinase catalytic subunit alpha; plus strand). Cytogenetic location: 3q26.32.
Variant type: single nucleotide variant.
Coding change: c.2361C>A on transcript NM_006218.4 (MANE Select); coding-DNA position 2361, C replaced by A.
Protein change: p.Asp787Glu; replaces aspartic acid 787 with glutamic acid.
Molecular consequence: missense variant.
Genome position (GRCh38, 1-based): chr3:179,224,766, C>A. VCF-style: chr3-179224766-C-A. GRCh37 (hg19) VCF-style: chr3-178942554-C-A.
Other names: short protein forms D787E.
Identifiers: ClinVar variation 4530375 (VCV004530375.1).

ClinVar aggregate classification (somatic clinical impact): Tier II - Potential (1 of 4 stars; one submission).

Conditions:
Embryonal rhabdomyosarcoma (ERMS). Also called: Botryoid rhabdomyosarcoma (type of ERMS); Spindle cell rhabdomyosarcomas (type of ERMS). Identifiers: Orphanet 99757, MedGen C0206656, MONDO:0009993, HP:0006743.

Submission:

Institute for Genomic Medicine (IGM) Clinical Laboratory, Nationwide Children's Hospital
Classification: Tier II - Potential for Embryonal rhabdomyosarcoma. Assertion type: diagnostic. Clinical significance: supports diagnosis. Last evaluated: 2025-05-29. Review status: criteria provided, single submitter. Criteria: AMP/ASCO/CAP Guidelines, 2017. Collection method: clinical testing. Allele origin: somatic. Affected: yes.
Comment: Variant has Tier II (potential) clinical significance as a diagnostic inclusion criterion in embryonal rhabdomyosarcoma, based on the following evidence: 1) Documented in one or more cancer databases (e.g., St. Jude Pecan, COSMIC, CIViC, OncoKB). 2) Appears in one or more well-established professional guidelines (e.g., World Health Organization [WHO]; National Comprehensive Cancer Network [NCCN]) as providing diagnostic, prognostic, or therapeutic information. 3) Diagnostic significance based on multiple small studies (Evidence Level C; PMIDs: 24436047, 34166060, 24332040, 26138366, 25768946).

Literature cited by the submitters: PubMed 24436047; PubMed 34166060; PubMed 24332040; PubMed 26138366; PubMed 25768946.